The following is an entry in ClinVar:

ClinVar aggregate classification (germline): Uncertain significance (1 of 4 stars; one submission).

Conditions:
Intellectual developmental disorder, X-linked 99. Also called: Intellectual disability, X-linked 99. Identifiers: Orphanet 777, MedGen C3806746, MONDO:0010487, OMIM 300919.

Allele frequency attached by ClinVar (database versions not stated): gnomAD exomes below 0.00001 and 0.00001; ExAC 0.00001; TOPMed 0.00001.
gnomAD v4.1: 2 of 1,211,311 alleles (0.00017%); highest among the groups gnomAD compares: South Asian, 0.0035%; no homozygotes.

Submission:

Foundation for Research in Genetics and Endocrinology, FRIGE's Institute of Human Genetics
Classification: Uncertain significance for Intellectual developmental disorder, X-linked 99. Last evaluated: 2021-09-16. Review status: criteria provided, single submitter. Criteria: ACMG Guidelines, 2015. Collection method: clinical testing. Allele origin: germline. Inheritance: X-linked inheritance. Affected: yes. Observed: 1 hemizygote.
Comment: A hemizygous missense variation in exon 44 of the USP9X gene that results in the amino acid substitution of Aspartic acid for Glutamic acid at codon 2503 was detected. The observed variant c.7509A>C (p.Glu2503Asp) has not been reported in the 1000 genomes and gnomAD database. The in silico prediction of the variant is damaging by MutationTaster2 and LRT. The reference codon is conserved across species. In summary, the variant meets our criteria to be classified as a variant of uncertain significance.

NM_001039591.3(USP9X):c.7461A>C (p.Glu2487Asp)

Gene: USP9X (ubiquitin specific peptidase 9 X-linked; plus strand). Cytogenetic location: Xp11.4.
Variant type: single nucleotide variant.
Coding change: c.7461A>C on transcript NM_001039591.3 (MANE Select); coding-DNA position 7461, A replaced by C.
Protein change: p.Glu2487Asp; replaces glutamic acid 2487 with aspartic acid.
Molecular consequence: missense variant.
Genome position (GRCh38, 1-based): chrX:41,230,530, A>C. VCF-style: chrX-41230530-A-C. GRCh37 (hg19) VCF-style: chrX-41089783-A-C.
Other names: p.Glu2503Asp; c.7509A>C, p.Glu2503Asp (NM_001039590.3); short protein forms E2487D, E2503D.
Identifiers: ClinVar variation 1342022 (VCV001342022.3), dbSNP rs769126922, ClinGen allele CA10389230.